The following is an entry in ClinVar:

NM_001848.3(COL6A1):c.2612T>C (p.Val871Ala)

Gene: COL6A1 (collagen type VI alpha 1 chain; plus strand). Cytogenetic location: 21q22.3.
Variant type: single nucleotide variant.
Coding change: c.2612T>C on transcript NM_001848.3 (MANE Select); coding-DNA position 2612, T replaced by C.
Protein change: p.Val871Ala; replaces valine 871 with alanine.
Molecular consequence: missense variant.
Genome position (GRCh38, 1-based): chr21:46,003,538, T>C. VCF-style: chr21-46003538-T-C. GRCh37 (hg19) VCF-style: chr21-47423452-T-C.
Other names: short protein forms V871A.
Identifiers: ClinVar variation 5008598 (VCV005008598.1).
Genomic context (GRCh38, chr21:46,003,538, plus strand): 5'-TCGCCAAGCGCCTGGCCGAGCGCTTCCTCACAGCGGGCAGGACGGACCCCGCCCACGACG[T>C]GCGGGTGGCGGTGGTGCAGTACAGCGGCACGGGCCAGCAGCGCCCAGAGCGGGCGTCGCT-3'
Protein context (NP_001839.2, residues 861-881): TAGRTDPAHD[Val871Ala]RVAVVQYSGT

ClinVar aggregate classification (germline): Uncertain significance (1 of 4 stars; one submission).

Submission:

GeneDx
Classification: Uncertain significance. Last evaluated: 2026-03-04. Review status: criteria provided, single submitter. Criteria: GeneDx Variant Classification Process June 2021. Collection method: clinical testing. Allele origin: germline.
Comment: Not observed at significant frequency in large population cohorts (gnomAD); In silico analysis suggests that this missense variant does not alter protein structure/function; Has not been previously published as pathogenic or benign to our knowledge